The following is an entry in ClinVar:

NM_001378609.3(OTOGL):c.5350G>A (p.Val1784Met)

Gene: OTOGL (otogelin like; plus strand). Cytogenetic location: 12q21.31.
Variant type: single nucleotide variant.
Coding change: c.5350G>A on transcript NM_001378609.3 (MANE Select); coding-DNA position 5350, G replaced by A.
Protein change: p.Val1784Met; replaces valine 1784 with methionine.
Molecular consequence: missense variant.
Genome position (GRCh38, 1-based): chr12:80,352,379, G>A. VCF-style: chr12-80352379-G-A. GRCh37 (hg19) VCF-style: chr12-80746159-G-A.
Other names: c.5323G>A (NM_173591.3); c.5215G>A, p.Val1739Met (NM_001368062.3); c.5350G>A, p.Val1784Met (NM_001378610.3, NM_173591.7); short protein forms V1784M, V1739M.
Identifiers: ClinVar variation 1429797 (VCV001429797.13), dbSNP rs571909899, ClinGen allele CA6701681.
Genomic context (GRCh38, chr12:80,352,379, plus strand): 5'-AAGATGTGGATCAATTATACCTATTTTTGGAACTATGAATGTGATGCACTTTCTGCATAT[G>A]TGGCTCTGTGCAACAAGTTTGATATCTGTATTCAGTGGAGAACACCTGATTACTGCTGTG-3'
Protein context (NP_001365538.2, residues 1774-1794): NYECDALSAY[Val1784Met]ALCNKFDICI

ClinVar aggregate classification (germline): Uncertain significance. Review status: criteria provided, multiple submitters, no conflicts (2 of 4 stars). 4 submissions from 4 submitters: Uncertain significance (4). Last evaluated 2024-12-13.

Conditions:
Autosomal recessive nonsyndromic hearing loss 84B. Also called: Deafness, autosomal recessive 84b. Identifiers: Orphanet 90636, MedGen C3554159, MONDO:0013984, OMIM 614944.

Allele frequency attached by ClinVar (database versions not stated): TOPMed 0.00001; gnomAD 0.00005; gnomAD exomes 0.00006 and 0.00015; ExAC 0.00023; 1000 Genomes Project 0.00080; 1000 Genomes Project 30x 0.00094.
gnomAD v4.1: 93 of 1,612,422 alleles (0.0058%); highest among the groups gnomAD compares: South Asian, 0.095%; no homozygotes.

Submissions (4):

GeneDx
Classification: Uncertain significance. Last evaluated: 2024-12-13. Review status: criteria provided, single submitter. Criteria: GeneDx Variant Classification Process June 2021. Collection method: clinical testing. Allele origin: germline. Affected: yes.
Comment: In silico analysis supports that this missense variant has a deleterious effect on protein structure/function; Has not been previously published as pathogenic or benign to our knowledge

Labcorp Genetics (formerly Invitae), Labcorp
Classification: Uncertain significance. Last evaluated: 2024-03-06. Review status: criteria provided, single submitter. Criteria: Invitae Variant Classification Sherloc (09022015). Collection method: clinical testing. Allele origin: germline.
Comment: This sequence change replaces valine, which is neutral and non-polar, with methionine, which is neutral and non-polar, at codon 1775 of the OTOGL protein (p.Val1775Met). This variant is present in population databases (rs571909899, gnomAD 0.1%). This variant has not been reported in the literature in individuals affected with OTOGL-related conditions. ClinVar contains an entry for this variant (Variation ID: 1429797). An algorithm developed to predict the effect of missense changes on protein structure and function (PolyPhen-2) suggests that this variant is likely to be disruptive. In summary, the available evidence is currently insufficient to determine the role of this variant in disease. Therefore, it has been classified as a Variant of Uncertain Significance.

Blueprint Genetics
Classification: Uncertain significance. Last evaluated: 2023-09-21. Review status: criteria provided, single submitter. Criteria: ACMG Guidelines, 2015. Collection method: clinical testing. Allele origin: germline.

Revvity Omics, Revvity
Classification: Uncertain significance for Autosomal recessive nonsyndromic hearing loss 84B. Last evaluated: 2022-03-30. Review status: criteria provided, single submitter. Criteria: ACMG Guidelines, 2015. Collection method: clinical testing. Allele origin: germline.